The following is an entry in ClinVar:

ClinVar aggregate classification (germline): Likely pathogenic (1 of 4 stars; one submission).

Conditions:
Developmental and epileptic encephalopathy, 23 (DEE23). Also called: Epileptic encephalopathy, early infantile, 23. Identifiers: Orphanet 411986, MedGen C4014492, MONDO:0014371, OMIM 615859.

Submission:

Labcorp Genetics (formerly Invitae), Labcorp
Classification: Likely pathogenic for Developmental and epileptic encephalopathy, 23. Last evaluated: 2022-10-21. Review status: criteria provided, single submitter. Criteria: Invitae Variant Classification Sherloc (09022015). Collection method: clinical testing. Allele origin: germline.
Comment: In summary, the currently available evidence indicates that the variant is pathogenic, but additional data are needed to prove that conclusively. Therefore, this variant has been classified as Likely Pathogenic. Algorithms developed to predict the effect of sequence changes on RNA splicing suggest that this variant may disrupt the consensus splice site. This sequence change affects a donor splice site in intron 21 of the DOCK7 gene. It is expected to disrupt RNA splicing. Variants that disrupt the donor or acceptor splice site typically lead to a loss of protein function (PMID: 16199547), and loss-of-function variants in DOCK7 are known to be pathogenic (PMID: 24814191). This variant is not present in population databases (gnomAD no frequency). This variant has not been reported in the literature in individuals affected with DOCK7-related conditions.

Literature cited by the submitters: PubMed 16199547; PubMed 24814191.

NM_001367561.1(DOCK7):c.2596+1G>C

Gene: DOCK7 (dedicator of cytokinesis 7; minus strand). Cytogenetic location: 1p31.3.
Variant type: single nucleotide variant.
Coding change: c.2596+1G>C on transcript NM_001367561.1 (MANE Select); the canonical splice donor site of the intron after coding-DNA position 2596, G replaced by C.
Molecular consequence: splice donor variant.
Genome position (GRCh38, 1-based): chr1:62,555,824, C>G on the plus strand (G>C on the coding strand, the complement: DOCK7 is on the minus strand). VCF-style: chr1-62555824-C-G. GRCh37 (hg19) VCF-style: chr1-63021495-C-G.
Other names: c.2596+1G>C (NM_001272001.2, NM_001272000.2, NM_033407.4 and 2 more transcripts).
Identifiers: ClinVar variation 2185606 (VCV002185606.4), dbSNP rs772328554, ClinGen allele CA340622921.